The following is an entry in ClinVar:

NM_007294.4(BRCA1):c.1803C>T (p.His601=)

Gene: BRCA1 (BRCA1 DNA repair associated; minus strand). Cytogenetic location: 17q21.31.
Variant type: single nucleotide variant.
Coding change: c.1803C>T on transcript NM_007294.4 (MANE Select); coding-DNA position 1803, C replaced by T.
Protein change: p.His601=; no amino-acid change (histidine 601 retained).
Molecular consequence: synonymous variant. On other transcripts: intron variant (137).
Genome position (GRCh38, 1-based): chr17:43,093,728, G>A on the plus strand (C>T on the coding strand, the complement: BRCA1 is on the minus strand). VCF-style: chr17-43093728-G-A. GRCh37 (hg19) VCF-style: chr17-41245745-G-A.
Other names: c.1803C>T, p.His601= (NM_001407616.1, NM_001407617.1, NM_001407618.1 and 30 more transcripts); c.1794C>T, p.His598= (NM_001407646.1, NM_001407647.1); c.1680C>T, p.His560= (NM_001407648.1, NM_001407664.1, NM_001407665.1 and 19 more transcripts); c.1677C>T, p.His559= (NM_001407649.1, NM_001407670.1, NM_001407671.1 and 11 more transcripts); c.1725C>T, p.His575= (NM_001407653.1, NM_001407654.1, NM_001407655.1 and 4 more transcripts); c.1590C>T, p.His530= (NM_001407571.1, NM_001407898.1, NM_001407899.1 and 9 more transcripts); c.1800C>T, p.His600= (NM_001407627.1, NM_001407628.1, NM_001407629.1 and 22 more transcripts); c.1722C>T, p.His574= (NM_001407659.1, NM_001407660.1, NM_001407661.1 and 1 more transcripts); and 40 more.
Identifiers: ClinVar variation 389240 (VCV000389240.20), dbSNP rs1057523373, ClinGen allele CA16607273.

ClinVar aggregate classification (germline): Likely benign. Review status: criteria provided, multiple submitters, no conflicts (2 of 4 stars). 5 submissions from 5 submitters: Likely benign (4). 1 of the submissions does not count toward it. Last evaluated 2025-03-19.

Conditions:
Hereditary breast ovarian cancer syndrome. Also called: Hereditary breast and ovarian cancer syndrome; BRCA1- and BRCA2-Associated Hereditary Breast and Ovarian Cancer; Hereditary breast and ovarian cancer; Hereditary breast and/or ovarian cancer syndrome; Hereditary breast and ovarian cancer syndrome (HBOC); Breast and ovarian cancer. Identifiers: Orphanet 145, MedGen C0677776, MeSH D061325, MONDO:0003582. Disease mechanism: loss of function.
BRCA1-related disorder. Also called: BRCA1-related condition.
Hereditary cancer-predisposing syndrome. Also called: Hereditary Cancer Syndrome; Hereditary neoplastic syndrome; Neoplastic Syndromes, Hereditary; Tumor predisposition. Identifiers: Orphanet 140162, MedGen C0027672, MeSH D009386, MONDO:0015356.

Allele frequency attached by ClinVar (database versions not stated): gnomAD 0.00001.
gnomAD v4.1: 1 of 1,613,894 alleles (0.000062%); highest among the groups gnomAD compares: Admixed American, 0.0017%; no homozygotes.

Submissions (5):

Labcorp Genetics (formerly Invitae), Labcorp
Classification: Likely benign for Hereditary breast ovarian cancer syndrome. Last evaluated: 2025-03-19. Review status: criteria provided, single submitter. Criteria: Invitae Variant Classification Sherloc (09022015). Collection method: clinical testing. Allele origin: germline.

Quest Diagnostics Nichols Institute San Juan Capistrano
Classification: Likely benign. Last evaluated: 2024-12-28. Review status: criteria provided, single submitter. Criteria: Quest Diagnostics criteria. Collection method: clinical testing. Allele origin: unknown.

Ambry Genetics
Classification: Likely benign for Hereditary cancer-predisposing syndrome. Last evaluated: 2019-10-11. Review status: criteria provided, single submitter. Criteria: Ambry Variant Classification Scheme 2023. Collection method: clinical testing. Allele origin: germline.

GeneDx
Classification: Likely benign. Last evaluated: 2016-09-08. Review status: criteria provided, single submitter. Criteria: GeneDx Variant Classification (06012015). Collection method: clinical testing. Allele origin: germline. Affected: yes.
Comment: This variant is considered likely benign or benign based on one or more of the following criteria: it is a conservative change, it occurs at a poorly conserved position in the protein, it is predicted to be benign by multiple in silico algorithms, and/or has population frequency not consistent with disease.

PreventionGenetics, part of Exact Sciences
Classification: Likely benign for BRCA1-related condition. Last evaluated: 2023-11-06. Review status: no assertion criteria provided. Collection method: clinical testing. Allele origin: germline. Not counted in ClinVar's aggregate classification.
Comment: This variant is classified as likely benign based on ACMG/AMP sequence variant interpretation guidelines (Richards et al. 2015 PMID: 25741868, with internal and published modifications).